The following is an entry in ClinVar:

ClinVar aggregate classification (germline): Benign (1 of 4 stars; one submission).

Allele frequency attached by ClinVar (database versions not stated): 1000 Genomes Project 0.13518; 1000 Genomes Project 30x 0.14335; gnomAD 0.14604 and 0.15159; TOPMed 0.15242.
gnomAD v4.1: 22,122 of 152,174 alleles (15%); highest among the groups gnomAD compares: African/African-American, 29%; 2,208 homozygotes.

Submission:

GeneDx
Classification: Benign. Last evaluated: 2018-06-14. Review status: criteria provided, single submitter. Criteria: GeneDx Variant Classification (06012015). Collection method: clinical testing. Allele origin: germline. Affected: yes.
Comment: This variant is considered likely benign or benign based on one or more of the following criteria: it is a conservative change, it occurs at a poorly conserved position in the protein, it is predicted to be benign by multiple in silico algorithms, and/or has population frequency not consistent with disease.

NM_006073.4(TRDN):c.932-271A>G

Gene: TRDN (triadin; minus strand). Cytogenetic location: 6q22.31.
Variant type: single nucleotide variant.
Coding change: c.932-271A>G on transcript NM_006073.4 (MANE Select); 271 bases into the intron before coding-DNA position 932, A replaced by G.
Molecular consequence: intron variant.
Genome position (GRCh38, 1-based): chr6:123,439,274, T>C on the plus strand (A>G on the coding strand, the complement: TRDN is on the minus strand). VCF-style: chr6-123439274-T-C. GRCh37 (hg19) VCF-style: chr6-123760419-T-C.
Other names: c.932-271A>G (NM_001251987.2).
Identifiers: ClinVar variation 680831 (VCV000680831.1), dbSNP rs9490752, ClinGen allele CA16278871.